The following is an entry in ClinVar:

ClinVar aggregate classification (germline): Uncertain significance (1 of 4 stars; one submission).

Allele frequency attached by ClinVar (database versions not stated): ExAC 0.00001; gnomAD exomes 0.00001; gnomAD 0.00003; TOPMed 0.00005.
gnomAD v4.1: 9 of 1,612,388 alleles (0.00056%); highest among the groups gnomAD compares: East Asian, 0.02%; no homozygotes.

Submission:

Labcorp Genetics (formerly Invitae), Labcorp
Classification: Uncertain significance. Last evaluated: 2022-08-02. Review status: criteria provided, single submitter. Criteria: Invitae Variant Classification Sherloc (09022015). Collection method: clinical testing. Allele origin: germline.
Comment: This sequence change replaces arginine, which is basic and polar, with methionine, which is neutral and non-polar, at codon 2816 of the ASPM protein (p.Arg2816Met). This variant is present in population databases (rs763175387, gnomAD 0.05%). This variant has not been reported in the literature in individuals affected with ASPM-related conditions. Algorithms developed to predict the effect of missense changes on protein structure and function are either unavailable or do not agree on the potential impact of this missense change (SIFT: "Deleterious"; PolyPhen-2: "Possibly Damaging"; Align-GVGD: "Class C0"). In summary, the available evidence is currently insufficient to determine the role of this variant in disease. Therefore, it has been classified as a Variant of Uncertain Significance.

NM_018136.5(ASPM):c.8447G>T (p.Arg2816Met)

Gene: ASPM (assembly factor for spindle microtubules; minus strand). Cytogenetic location: 1q31.3.
Variant type: single nucleotide variant.
Coding change: c.8447G>T on transcript NM_018136.5 (MANE Select); coding-DNA position 8447, G replaced by T.
Protein change: p.Arg2816Met; replaces arginine 2816 with methionine.
Molecular consequence: missense variant. On other transcripts: intron variant (1).
Genome position (GRCh38, 1-based): chr1:197,100,804, C>A on the plus strand (G>T on the coding strand, the complement: ASPM is on the minus strand). VCF-style: chr1-197100804-C-A. GRCh37 (hg19) VCF-style: chr1-197069934-C-A.
Other names: c.4066-4640G>T (NM_001206846.2); short protein forms R2816M.
Identifiers: ClinVar variation 1905438 (VCV001905438.2), dbSNP rs763175387, ClinGen allele CA1309219.
Genomic context (GRCh38, chr1:197,100,804, plus strand): 5'-TGTGTTTCCAGTTTTCTTGTGACCATTCTACAAAAAGCTTTTTGAATTGTTACTGCAGCC[C>A]TACTTTGAGAATGATACTCTGCTTCCTGTGAACAAGCAAGGCCAGAAGCTTTATACCACT-3'
Protein context (NP_060606.3, residues 2806-2826): SQEAEYHSQS[Arg2816Met]AAVTIQKAFC